The following is an entry in ClinVar:

ClinVar aggregate classification (germline): Likely benign (0 of 4 stars; one submission).

Conditions:
COLEC11-related disorder. Also called: COLEC11-related condition.

Allele frequency attached by ClinVar (database versions not stated): gnomAD 0.00001; gnomAD exomes 0.00002; TOPMed 0.00002.

Submission:

PreventionGenetics, part of Exact Sciences
Classification: Likely benign for COLEC11-related condition. Last evaluated: 2024-05-29. Review status: no assertion criteria provided. Collection method: clinical testing. Allele origin: germline.
Comment: This variant is classified as likely benign based on ACMG/AMP sequence variant interpretation guidelines (Richards et al. 2015 PMID: 25741868, with internal and published modifications).

NM_024027.5(COLEC11):c.130+6C>T

Gene: COLEC11 (collectin subfamily member 11; plus strand). Cytogenetic location: 2p25.3.
Variant type: single nucleotide variant.
Coding change: c.130+6C>T on transcript NM_024027.5 (MANE Select); 6 bases into the intron after coding-DNA position 130, C replaced by T.
Molecular consequence: intron variant.
Genome position (GRCh38, 1-based): chr2:3,604,476, C>T. VCF-style: chr2-3604476-C-T. GRCh37 (hg19) VCF-style: chr2-3652066-C-T.
Other names: c.42+6C>T (NM_199235.3); c.130+6C>T (NM_001255983.2, NM_001255982.2, NM_001255984.2); c.172+6C>T (NM_001255985.1).
Identifiers: ClinVar variation 3051137 (VCV003051137.2), dbSNP rs1466593948, ClinGen allele CA424601632.